The following is an entry in ClinVar:

NM_001453.3(FOXC1):c.1140C>G (p.Gly380=)

Gene: FOXC1 (forkhead box C1; plus strand). Cytogenetic location: 6p25.3.
Variant type: single nucleotide variant.
Coding change: c.1140C>G on transcript NM_001453.3 (MANE Select); coding-DNA position 1140, C replaced by G.
Protein change: p.Gly380=; no amino-acid change (glycine 380 retained).
Molecular consequence: synonymous variant.
Genome position (GRCh38, 1-based): chr6:1,611,585, C>G. VCF-style: chr6-1611585-C-G. GRCh37 (hg19) VCF-style: chr6-1611820-C-G.
Identifiers: ClinVar variation 3029141 (VCV003029141.2), dbSNP rs2113113829, ClinGen allele CA448394054.

ClinVar aggregate classification (germline): Likely benign (0 of 4 stars; one submission).

Conditions:
FOXC1-related disorder. Also called: FOXC1-related condition.

Submission:

PreventionGenetics, part of Exact Sciences
Classification: Likely benign for FOXC1-related condition. Last evaluated: 2022-03-31. Review status: no assertion criteria provided. Collection method: clinical testing. Allele origin: germline.
Comment: This variant is classified as likely benign based on ACMG/AMP sequence variant interpretation guidelines (Richards et al. 2015 PMID: 25741868, with internal and published modifications).